The following is an entry in ClinVar:

NM_001369369.1(FOXN1):c.114C>T (p.Ala38=)

Gene: FOXN1 (forkhead box N1; plus strand). Cytogenetic location: 17q11.2.
Variant type: single nucleotide variant.
Coding change: c.114C>T on transcript NM_001369369.1 (MANE Select); coding-DNA position 114, C replaced by T.
Protein change: p.Ala38=; no amino-acid change (alanine 38 retained).
Molecular consequence: synonymous variant.
Genome position (GRCh38, 1-based): chr17:28,524,083, C>T. VCF-style: chr17-28524083-C-T. GRCh37 (hg19) VCF-style: chr17-26851101-C-T.
Other names: NM_001369369.1(FOXN1):c.114C>T; p.Ala38=; c.114C>T, p.Ala38= (NM_003593.3).
Identifiers: ClinVar variation 1089071 (VCV001089071.9), dbSNP rs375724174, ClinGen allele CA8459140.

ClinVar aggregate classification (germline): Likely benign. Review status: reviewed by expert panel (3 of 4 stars). 3 submissions from 3 submitters: Likely benign (1). 2 of the submissions do not count toward it. Last evaluated 2024-07-29.

Conditions:
T-cell immunodeficiency, congenital alopecia, and nail dystrophy. Also called: Congenital alopecia and nail dystrophy associated with severe functional T-cell immunodeficiency; Pignata Guarino syndrome. Identifiers: Orphanet 169095, MedGen C1866426, MONDO:0011132, OMIM 601705.

Allele frequency attached by ClinVar (database versions not stated): ESP Exome Variant Server 0.00008; gnomAD exomes 0.00016; TOPMed 0.00020; gnomAD 0.00022 and 0.00023; ExAC 0.00026.

Submissions (3):

ClinGen Severe Combined Immunodeficiency Variant Curation Expert Panel, ClinGen
Classification: Likely benign for T-cell immunodeficiency, congenital alopecia, and nail dystrophy. Last evaluated: 2024-07-29. Review status: reviewed by expert panel. Criteria: ClinGen SCID ACMG Specifications FOXN1 V1.0.0. Collection method: curation. Allele origin: germline. Inheritance: Semidominant inheritance.
Comment: NM_001369369.1(FOXN1):c.114C>T (p.Ala38=) is a synonymous variant. SpliceAI predicts no impact to the splice consensus sequence (delta score 0.00) nor the creation of a new splice site (delta score<=0.08) and the nucleotide is not highly conserved (phyloP score -0.92) (BP4, BP7). In summary this variant meets criteria to be classified as likely benign for semidominant T-cell immunodeficiency, congenital alopecia, and nail dystrophy due to FOXN1 deficiency based on the ACMG/AMP criteria applied: BP4 and BP7 as specified by the ClinGen SCID VCEP FOXN1 subgroup.

Labcorp Genetics (formerly Invitae), Labcorp
Classification: Likely benign for T-cell immunodeficiency, congenital alopecia, and nail dystrophy. Last evaluated: 2026-01-03. Review status: criteria provided, single submitter. Criteria: Invitae Variant Classification Sherloc (09022015). Collection method: clinical testing. Allele origin: germline. Not counted in ClinVar's aggregate classification.

Blueprint Genetics
Classification: Likely benign. Last evaluated: 2024-11-26. Review status: criteria provided, single submitter. Criteria: ACMG Guidelines, 2015. Collection method: clinical testing. Allele origin: germline. Not counted in ClinVar's aggregate classification.